The following is an entry in ClinVar:

ClinVar aggregate classification (germline): Likely benign. Review status: criteria provided, multiple submitters, no conflicts (2 of 4 stars). 2 submissions from 2 submitters: Likely benign (2). Last evaluated 2025-12-10.

Conditions:
Lymphoproliferative syndrome 2 (LPFS2). Also called: Combined immunodeficiency due to CD27 deficiency; CD27 DEFICIENCY. Identifiers: Orphanet 238505, MedGen C3554540, MONDO:0014054, OMIM 615122.

Allele frequency attached by ClinVar (database versions not stated): TOPMed 0.00003; gnomAD 0.00004; gnomAD exomes 0.00004; ExAC 0.00006.
gnomAD v4.1: 68 of 1,613,994 alleles (0.0042%); highest among the groups gnomAD compares: East Asian, 0.02%; no homozygotes.

Submissions (2):

Labcorp Genetics (formerly Invitae), Labcorp
Classification: Likely benign for Lymphoproliferative syndrome 2. Last evaluated: 2025-12-10. Review status: criteria provided, single submitter. Criteria: Invitae Variant Classification Sherloc (09022015). Collection method: clinical testing. Allele origin: germline.

CeGaT Center for Human Genetics Tuebingen
Classification: Likely benign. Last evaluated: 2025-11-01. Review status: criteria provided, single submitter. Criteria: CeGaT Center For Human Genetics Tuebingen Variant Classification Criteria Version 2. Collection method: clinical testing. Allele origin: germline. Affected: yes. Observed: 1 variant allele.
Comment: CD27: BP4, BP7

NM_001242.5(CD27):c.552G>A (p.Leu184=)

Genes: CD27 (CD27 molecule; plus strand), CD27-AS1 (CD27 antisense RNA 1; minus strand), LOC130007242 (ATAC-STARR-seq lymphoblastoid active region 5859; plus strand). Cytogenetic location: 12p13.31.
Variant type: single nucleotide variant.
Coding change: c.552G>A on transcript NM_001242.5 (MANE Select); coding-DNA position 552, G replaced by A.
Protein change: p.Leu184=; no amino-acid change (leucine 184 retained).
Molecular consequence: synonymous variant. On other transcripts: non-coding transcript variant (1).
Genome position (GRCh38, 1-based): chr12:6,450,908, G>A. VCF-style: chr12-6450908-G-A. GRCh37 (hg19) VCF-style: chr12-6560074-G-A.
Identifiers: ClinVar variation 1089216 (VCV001089216.15), dbSNP rs780709831, ClinGen allele CA6407037.